The following is an entry in ClinVar:

NM_206933.4(USH2A):c.3914C>T (p.Pro1305Leu)

Genes: USH2A (usherin; minus strand), USH2A-AS1 (USH2A antisense RNA 1; plus strand). Cytogenetic location: 1q41.
Variant type: single nucleotide variant.
Coding change: c.3914C>T on transcript NM_206933.4 (MANE Select); coding-DNA position 3914, C replaced by T.
Protein change: p.Pro1305Leu; replaces proline 1305 with leucine.
Molecular consequence: missense variant.
Genome position (GRCh38, 1-based): chr1:216,198,482, G>A on the plus strand (C>T on the coding strand, the complement: USH2A is on the minus strand). VCF-style: chr1-216198482-G-A. GRCh37 (hg19) VCF-style: chr1-216371824-G-A.
Other names: c.3914C>T, p.Pro1305Leu (NM_007123.6); c.3914C>T (NM_206933.2); short protein forms P1305L.
Identifiers: ClinVar variation 1373845 (VCV001373845.9), dbSNP rs780574336, ClinGen allele CA1395873.

ClinVar aggregate classification (germline): Uncertain significance. Review status: criteria provided, multiple submitters, no conflicts (2 of 4 stars). 4 submissions from 3 submitters: Uncertain significance (4). Last evaluated 2023-11-06.

Conditions:
Inborn genetic diseases. Identifiers: MedGen C0950123, MeSH D030342.
Usher syndrome type 2A. Also called: RETINAL DISEASE IN USHER SYNDROME TYPE IIA, MODIFIER OF; USHER SYNDROME, TYPE IIA. Identifiers: Orphanet 231178, Orphanet 886, MedGen C1848634, MONDO:0010169, OMIM 276901.
Retinitis pigmentosa 39 (RP39). Identifiers: Orphanet 791, MedGen C3151138, MONDO:0013436, OMIM 613809.

Allele frequency attached by ClinVar (database versions not stated): gnomAD exomes below 0.00001; ExAC 0.00001; gnomAD 0.00001.
gnomAD v4.1: 7 of 1,613,856 alleles (0.00043%); highest among the groups gnomAD compares: Admixed American, 0.0017%; no homozygotes.

Submissions (4):

Labcorp Genetics (formerly Invitae), Labcorp
Classification: Uncertain significance. Last evaluated: 2023-11-06. Review status: criteria provided, single submitter. Criteria: Invitae Variant Classification Sherloc (09022015). Collection method: clinical testing. Allele origin: germline.
Comment: This sequence change replaces proline, which is neutral and non-polar, with leucine, which is neutral and non-polar, at codon 1305 of the USH2A protein (p.Pro1305Leu). This variant is present in population databases (rs780574336, gnomAD 0.003%). This variant has not been reported in the literature in individuals affected with USH2A-related conditions. ClinVar contains an entry for this variant (Variation ID: 1373845). Advanced modeling of protein sequence and biophysical properties (such as structural, functional, and spatial information, amino acid conservation, physicochemical variation, residue mobility, and thermodynamic stability) performed at Invitae indicates that this missense variant is not expected to disrupt USH2A protein function with a negative predictive value of 95%. In summary, the available evidence is currently insufficient to determine the role of this variant in disease. Therefore, it has been classified as a Variant of Uncertain Significance.

Genome-Nilou Lab
Classification: Uncertain significance for Retinitis pigmentosa 39. Last evaluated: 2023-11-04. Review status: criteria provided, single submitter. Criteria: ACMG Guidelines, 2015. Collection method: clinical testing. Allele origin: germline. Affected: no.

Genome-Nilou Lab
Classification: Uncertain significance for Usher syndrome type 2A. Last evaluated: 2023-11-04. Review status: criteria provided, single submitter. Criteria: ACMG Guidelines, 2015. Collection method: clinical testing. Allele origin: germline. Affected: no.

Ambry Genetics
Classification: Uncertain significance for Inborn genetic diseases. Last evaluated: 2023-02-15. Review status: criteria provided, single submitter. Criteria: Ambry Variant Classification Scheme 2023. Collection method: clinical testing. Allele origin: germline.